The following is an entry in ClinVar:

NM_022124.6(CDH23):c.5198dup (p.Asn1733fs)

Gene: CDH23 (cadherin related 23; plus strand). Cytogenetic location: 10q22.1.
Variant type: Duplication.
Coding change: c.5198dup on transcript NM_022124.6 (MANE Select); coding-DNA position 5198, one base duplicated (A; older notation c.5198dupA).
Protein change: p.Asn1733fs; shifts the reading frame from asparagine 1733.
Molecular consequence: frameshift variant.
Genome position (GRCh38, 1-based): chr10:71,779,277, A duplicated; the last of 2 consecutive A bases (chr10:71,779,276-71,779,277); duplicating either gives the same sequence. VCF-style (leftmost placement, unchanged base first): chr10-71779275-G-GA. GRCh37 (hg19) VCF-style: chr10-73539032-G-GA.
Other names: short protein forms N1733fs.
Identifiers: ClinVar variation 2838368 (VCV002838368.3), dbSNP rs2494343833, ClinGen allele CA2739275803.

ClinVar aggregate classification (germline): Pathogenic (1 of 4 stars; one submission).

Submission:

Labcorp Genetics (formerly Invitae), Labcorp
Classification: Pathogenic. Last evaluated: 2023-02-16. Review status: criteria provided, single submitter. Criteria: Invitae Variant Classification Sherloc (09022015). Collection method: clinical testing. Allele origin: germline.
Comment: This sequence change creates a premature translational stop signal (p.Asn1733Lysfs*4) in the CDH23 gene. It is expected to result in an absent or disrupted protein product. Loss-of-function variants in CDH23 are known to be pathogenic (PMID: 11138009, 21940737). This variant is not present in population databases (gnomAD no frequency). This variant has not been reported in the literature in individuals affected with CDH23-related conditions. For these reasons, this variant has been classified as Pathogenic.

Literature cited by the submitters: PubMed 11138009; PubMed 21940737.